The following is an entry in ClinVar:

ClinVar aggregate classification (germline): Likely pathogenic. Review status: criteria provided, multiple submitters, no conflicts (2 of 4 stars). 2 submissions from 2 submitters: Likely pathogenic (2). Last evaluated 2025-06-13.

Conditions:
Xeroderma pigmentosum (XP). Identifiers: Orphanet 910, MedGen C0043346, MONDO:0019600.
Xeroderma pigmentosum, group F (XPF). Also called: XERODERMA PIGMENTOSUM VI; XP, GROUP F; XERODERMA PIGMENTOSUM, COMPLEMENTATION GROUP F; ERCC4-Related Xeroderma Pigmentosum; XERODERMA PIGMENTOSUM, TYPE F; Xeroderma pigmentosum, type 6. Identifiers: MedGen C0268140, MONDO:0010215, OMIM 278760.
Cockayne syndrome. Identifiers: Orphanet 191, MedGen C0009207, MONDO:0016006.
Fanconi anemia complementation group Q. Identifiers: Orphanet 84, MedGen C3808988, MONDO:0014108, OMIM 615272.

Allele frequency attached by ClinVar (database versions not stated): gnomAD exomes below 0.00001; gnomAD 0.00001.
gnomAD v4.1: 2 of 1,590,100 alleles (0.00013%); highest among the groups gnomAD compares: Non-Finnish European, 0.00017%; no homozygotes.

Submissions (2):

Labcorp Genetics (formerly Invitae), Labcorp
Classification: Likely pathogenic for Fanconi anemia complementation group Q; Xeroderma pigmentosum, group F; Cockayne syndrome. Last evaluated: 2025-06-13. Review status: criteria provided, single submitter. Criteria: Invitae Variant Classification Sherloc (09022015). Collection method: clinical testing. Allele origin: germline.
Comment: This sequence change affects a donor splice site in intron 6 of the ERCC4 gene. It is expected to disrupt RNA splicing. Variants that disrupt the donor or acceptor splice site typically lead to a loss of protein function (PMID: 16199547), and loss-of-function variants in ERCC4 are known to be pathogenic (PMID: 9580660). This variant is not present in population databases (gnomAD no frequency). This variant has not been reported in the literature in individuals affected with ERCC4-related conditions. ClinVar contains an entry for this variant (Variation ID: 1066740). Algorithms developed to predict the effect of sequence changes on RNA splicing suggest that this variant may disrupt the consensus splice site. In summary, the currently available evidence indicates that the variant is pathogenic, but additional data are needed to prove that conclusively. Therefore, this variant has been classified as Likely Pathogenic.

Women's Health and Genetics/Laboratory Corporation of America, LabCorp
Classification: Likely pathogenic for Xeroderma pigmentosum. Last evaluated: 2023-03-17. Review status: criteria provided, single submitter. Criteria: LabCorp Variant Classification Summary - May 2015. Collection method: clinical testing. Allele origin: germline.
Comment: Variant summary: ERCC4 c.1102+1G>T is located in a canonical splice-site and is predicted to affect mRNA splicing resulting in a significantly altered protein due to either exon skipping, shortening, or inclusion of intronic material. Several computational tools predict a significant impact on normal splicing: Three predict the variant abolishes a 5 splicing donor site. However, these predictions have yet to be confirmed by functional studies. The variant was absent in 248688 control chromosomes (gnomAD). c.1102+1G>T has been reported in the literature in one individual affected with lung cancer. These data do not allow any conclusion about variant significance. To our knowledge, no experimental evidence demonstrating an impact on protein function has been reported. One ClinVar submitter (evaluation after 2014) cites this variant as likely pathogenic. Based on the evidence outlined above, the variant was classified as likely pathogenic.

Literature cited by the submitters: PubMed 16199547 (cited by Labcorp Genetics (formerly Invitae), Labcorp); PubMed 9580660 (cited by Labcorp Genetics (formerly Invitae), Labcorp); PubMed 35477182 (cited by Women's Health and Genetics/Laboratory Corporation of America, LabCorp).

NM_005236.3(ERCC4):c.1102+1G>T

Gene: ERCC4 (ERCC excision repair 4, endonuclease catalytic subunit; plus strand). Cytogenetic location: 16p13.12.
Variant type: single nucleotide variant.
Coding change: c.1102+1G>T on transcript NM_005236.3 (MANE Select); the canonical splice donor site of the intron after coding-DNA position 1102, G replaced by T.
Molecular consequence: splice donor variant.
Genome position (GRCh38, 1-based): chr16:13,932,286, G>T. VCF-style: chr16-13932286-G-T. GRCh37 (hg19) VCF-style: chr16-14026143-G-T.
Identifiers: ClinVar variation 1066740 (VCV001066740.7), dbSNP rs1314323456, ClinGen allele CA394806012.